The following is an entry in ClinVar:

NM_001161352.2(KCNMA1):c.3240C>T (p.Asn1080=)

Genes: KCNMA1 (potassium calcium-activated channel subfamily M alpha 1; minus strand), KCNMA1-AS1 (KCNMA1 antisense RNA 1; plus strand). Cytogenetic location: 10q22.3.
Variant type: single nucleotide variant.
Coding change: c.3240C>T on transcript NM_001161352.2 (MANE Select); coding-DNA position 3240, C replaced by T.
Protein change: p.Asn1080=; no amino-acid change (asparagine 1080 retained).
Molecular consequence: synonymous variant.
Genome position (GRCh38, 1-based): chr10:76,891,627, G>A on the plus strand (C>T on the coding strand, the complement: KCNMA1 is on the minus strand). VCF-style: chr10-76891627-G-A. GRCh37 (hg19) VCF-style: chr10-78651385-G-A.
Other names: p.Asn1022=; c.3078C>T, p.Asn1026= (NM_001014797.3); c.3189C>T, p.Asn1063= (NM_001161353.2); c.2916C>T, p.Asn972= (NM_001271518.2); c.3156C>T, p.Asn1052= (NM_001271519.2); c.3075C>T, p.Asn1025= (NM_001322829.2, NM_001322836.2); c.3168C>T, p.Asn1056= (NM_001322830.2); c.3066C>T, p.Asn1022= (NM_001322832.2, NM_002247.4); and 2 more.
Identifiers: ClinVar variation 284179 (VCV000284179.61), dbSNP rs45586138, ClinGen allele CA5567884.

ClinVar aggregate classification (germline): Benign/Likely benign. Review status: criteria provided, multiple submitters, no conflicts (2 of 4 stars). 11 submissions from 11 submitters: Benign (4); Likely benign (5). 2 of the submissions do not count toward it. Last evaluated 2026-06-01.

Conditions:
Generalized epilepsy-paroxysmal dyskinesia syndrome (PNKD3). Also called: Generalized epilepsy and paroxysmal dyskinesia; Paroxysmal nonkinesigenic dyskinesia, 3, with or without generalized epilepsy. Identifiers: Orphanet 79137, MedGen C5574945, MONDO:0012276, OMIM 609446.

Allele frequency attached by ClinVar (database versions not stated): 1000 Genomes Project 0.00260; 1000 Genomes Project 30x 0.00281; ExAC 0.00314; gnomAD exomes 0.00347 and 0.00448; gnomAD 0.00357 and 0.00372; ESP Exome Variant Server 0.00423; TOPMed 0.00431.
gnomAD v4.1: 7,084 of 1,614,054 alleles (0.44%); highest among the groups gnomAD compares: Admixed American, 0.65%; 32 homozygotes.

Submissions (11):

CeGaT Center for Human Genetics Tuebingen
Classification: Likely benign. Last evaluated: 2026-06-01. Review status: criteria provided, single submitter. Criteria: CeGaT Center For Human Genetics Tuebingen Variant Classification Criteria Version 2. Collection method: clinical testing. Allele origin: germline. Affected: yes. Observed: 48 variant alleles.
Comment: KCNMA1: BP4, BP7, BS2

Labcorp Genetics (formerly Invitae), Labcorp
Classification: Benign for Generalized epilepsy-paroxysmal dyskinesia syndrome. Last evaluated: 2026-02-03. Review status: criteria provided, single submitter. Criteria: Invitae Variant Classification Sherloc (09022015). Collection method: clinical testing. Allele origin: germline.

Mayo Clinic Laboratories, Mayo Clinic
Classification: Benign. Last evaluated: 2025-06-27. Review status: criteria provided, single submitter. Criteria: ACMG Guidelines, 2015. Collection method: clinical testing. Allele origin: germline. Observed: 1 variant allele.
Comment: BA1, BP4, BP7

Blueprint Genetics
Classification: Likely benign. Last evaluated: 2024-11-27. Review status: criteria provided, single submitter. Criteria: ACMG Guidelines, 2015. Collection method: clinical testing. Allele origin: germline.

Athena Diagnostics
Classification: Benign. Last evaluated: 2024-08-14. Review status: criteria provided, single submitter. Criteria: Athena Diagnostics Criteria. Collection method: clinical testing. Allele origin: unknown.

GeneDx
Classification: Likely benign. Last evaluated: 2022-09-15. Review status: criteria provided, single submitter. Criteria: GeneDx Variant Classification Process June 2021. Collection method: clinical testing. Allele origin: germline. Affected: yes.
Comment: See Variant Classification Assertion Criteria.

Illumina Laboratory Services, Illumina
Classification: Likely benign for Generalized epilepsy-paroxysmal dyskinesia syndrome. Last evaluated: 2018-01-13. Review status: criteria provided, single submitter. Criteria: ICSL Variant Classification Criteria 13 December 2019. Collection method: clinical testing. Allele origin: germline.
Comment: This variant was observed in the ICSL laboratory as part of a predisposition screen in an ostensibly healthy population. It had not been previously curated by ICSL or reported in the Human Gene Mutation Database (HGMD: prior to June 1st, 2018), and was therefore a candidate for classification through an automated scoring system. Utilizing variant allele frequency, disease prevalence and penetrance estimates, and inheritance mode, an automated score was calculated to assess if this variant is too frequent to cause the disease. Based on the score and internal cut-off values, a variant classified as likely benign is not then subjected to further curation. The score for this variant resulted in a classification of likely benign for this disease.

Eurofins Ntd Llc (ga)
Classification: Benign. Last evaluated: 2015-11-09. Review status: criteria provided, single submitter. Criteria: EGL Classification Definitions 2015. Collection method: clinical testing. Allele origin: germline. Observed: 1 variant allele, 1 heterozygote.

Breakthrough Genomics
Classification: Likely benign. Review status: criteria provided, single submitter. Criteria: ACMG Guidelines, 2015. Collection method: not provided. Allele origin: germline. Inheritance: Autosomal recessive inheritance. Affected: yes.

Clinical Genetics DNA and cytogenetics Diagnostics Lab, Erasmus MC, Erasmus Medical Center
Classification: Likely benign. Review status: no assertion criteria provided. Collection method: clinical testing. Allele origin: germline. Affected: yes. Study: VKGL Data-share Consensus. Not counted in ClinVar's aggregate classification.

Genome Diagnostics Laboratory, University Medical Center Utrecht
Classification: Likely benign. Review status: no assertion criteria provided. Collection method: clinical testing. Allele origin: germline. Affected: yes. Study: VKGL Data-share Consensus. Not counted in ClinVar's aggregate classification.